The following is an entry in ClinVar:

NM_001202.6(BMP4):c.349del (p.Thr116_Val117insTer)

Gene: BMP4 (bone morphogenetic protein 4; minus strand). Cytogenetic location: 14q22.2.
Variant type: Deletion.
Coding change: c.349del on transcript NM_001202.6 (MANE Select); coding-DNA position 349, one base deleted (G; older notation c.349delG).
Protein change: p.Thr116_Val117insTer.
Molecular consequence: nonsense.
Genome position (GRCh38, 1-based): chr14:53,951,874, C deleted on the plus strand (G on the coding strand, the reverse complement: BMP4 is on the minus strand). VCF-style (leftmost placement, unchanged base first): chr14-53951873-AC-A. GRCh37 (hg19) VCF-style: chr14-54418591-AC-A.
Other names: c.490del, p.Thr163_Val164insTer (NM_001347912.1); c.160del, p.Thr53_Val54insTer (NM_001347913.2, NM_001347915.2, NM_001347917.1); c.349del, p.Thr116_Val117insTer (NM_001347914.2, NM_001347916.1, NM_130850.5 and 1 more transcripts).
Identifiers: ClinVar variation 4820256 (VCV004820256.1).

ClinVar aggregate classification (germline): Likely pathogenic (1 of 4 stars; one submission).

Conditions:
Stickler syndrome. Identifiers: Orphanet 828, MedGen C0265253, MONDO:0019354.

Submission:

Cambridge Genomics Laboratory, East Genomic Laboratory Hub, NHS Genomic Medicine Service
Classification: Likely pathogenic for Stickler syndrome. Last evaluated: 2026-03-17. Review status: criteria provided, single submitter. Criteria: ACGS Best Practice Guidelines for Variant Classification in Rare Disease 2020. Collection method: clinical testing. Allele origin: germline. Affected: yes.
Comment: PVS1_Strong,PM2